The following is an entry in ClinVar:

ClinVar aggregate classification (germline): Conflicting classifications of pathogenicity. Review status: criteria provided, conflicting classifications (1 of 4 stars). 2 submissions from 2 submitters: Uncertain significance (1); Likely benign (1). Last evaluated 2025-09-30.

Conditions:
Hereditary cancer-predisposing syndrome. Also called: Hereditary Cancer Syndrome; Tumor predisposition; Hereditary neoplastic syndrome; Neoplastic Syndromes, Hereditary. Identifiers: Orphanet 140162, MedGen C0027672, MeSH D009386, MONDO:0015356.
Hereditary breast ovarian cancer syndrome. Also called: Hereditary breast and ovarian cancer syndrome (HBOC); Breast and ovarian cancer; Hereditary breast and ovarian cancer syndrome; Hereditary breast and/or ovarian cancer syndrome; Hereditary breast and ovarian cancer; BRCA1- and BRCA2-Associated Hereditary Breast and Ovarian Cancer. Identifiers: Orphanet 145, MedGen C0677776, MeSH D061325, MONDO:0003582. Disease mechanism: loss of function.

Allele frequency attached by ClinVar (database versions not stated): gnomAD exomes below 0.00001.
gnomAD v4.1: 1 of 1,614,066 alleles (0.000062%); highest among the groups gnomAD compares: Non-Finnish European, 0.000085%; no homozygotes.

Submissions (2):

Ambry Genetics
Classification: Likely benign for Hereditary cancer-predisposing syndrome. Last evaluated: 2025-09-30. Review status: criteria provided, single submitter. Criteria: Ambry Variant Classification Scheme 2023. Collection method: clinical testing. Allele origin: germline.

Labcorp Genetics (formerly Invitae), Labcorp
Classification: Uncertain significance for Hereditary breast ovarian cancer syndrome. Last evaluated: 2025-09-30. Review status: criteria provided, single submitter. Criteria: Invitae Variant Classification Sherloc (09022015). Collection method: clinical testing. Allele origin: germline.
Comment: This sequence change replaces threonine, which is neutral and polar, with isoleucine, which is neutral and non-polar, at codon 3137 of the BRCA2 protein (p.Thr3137Ile). This variant is not present in population databases (gnomAD no frequency). This variant has not been reported in the literature in individuals affected with BRCA2-related conditions. ClinVar contains an entry for this variant (Variation ID: 1411412). Invitae Evidence Modeling of protein sequence and biophysical properties (such as structural, functional, and spatial information, amino acid conservation, physicochemical variation, residue mobility, and thermodynamic stability) indicates that this missense variant is not expected to disrupt BRCA2 protein function with a negative predictive value of 95%. In summary, the available evidence is currently insufficient to determine the role of this variant in disease. Therefore, it has been classified as a Variant of Uncertain Significance.

Literature cited by the submitters: PubMed 39779848 (cited by Ambry Genetics); PubMed 39779857 (cited by Ambry Genetics).

NM_000059.4(BRCA2):c.9410C>T (p.Thr3137Ile)

Gene: BRCA2 (BRCA2 DNA repair associated; plus strand). Cytogenetic location: 13q13.1.
Variant type: single nucleotide variant.
Coding change: c.9410C>T on transcript NM_000059.4 (MANE Select); coding-DNA position 9410, C replaced by T.
Protein change: p.Thr3137Ile; replaces threonine 3137 with isoleucine.
Molecular consequence: missense variant.
Genome position (GRCh38, 1-based): chr13:32,394,842, C>T. VCF-style: chr13-32394842-C-T. GRCh37 (hg19) VCF-style: chr13-32968979-C-T.
Other names: c.9410C>T (NM_000059.3); short protein forms T3137I.
Identifiers: ClinVar variation 1411412 (VCV001411412.9), dbSNP rs1235953183, ClinGen allele CA387761409.
Genomic context (GRCh38, chr13:32,394,842, plus strand): 5'-ATATGTTAATTGCTGCAAGCAACCTCCAGTGGCGACCAGAATCCAAATCAGGCCTTCTTA[C>T]TTTATTTGCTGGAGATTTTTCTGTGTTTTCTGCTAGTCCAAAAGAGGGCCACTTTCAAGA-3'
Protein context (NP_000050.3, residues 3127-3147): WRPESKSGLL[Thr3137Ile]LFAGDFSVFS